The following is an entry in ClinVar:

NM_000426.4(LAMA2):c.6623G>A (p.Trp2208Ter)

Gene: LAMA2 (laminin subunit alpha 2; plus strand). Cytogenetic location: 6q22.33.
Variant type: single nucleotide variant.
Coding change: c.6623G>A on transcript NM_000426.4 (MANE Select); coding-DNA position 6623, G replaced by A.
Protein change: p.Trp2208Ter; replaces tryptophan 2208 with a stop codon.
Molecular consequence: nonsense.
Genome position (GRCh38, 1-based): chr6:129,454,204, G>A. VCF-style: chr6-129454204-G-A. GRCh37 (hg19) VCF-style: chr6-129775349-G-A.
Other names: c.6623G>A, p.Trp2208Ter (NM_001079823.2); short protein forms W2208*.
Identifiers: ClinVar variation 2676252 (VCV002676252.3), dbSNP rs2533419214, ClinGen allele CA365617015.

ClinVar aggregate classification (germline): Pathogenic/Likely pathogenic. Review status: criteria provided, multiple submitters, no conflicts (2 of 4 stars). 3 submissions from 3 submitters: Pathogenic (2); Likely pathogenic (1). Last evaluated 2025-12-29.

Conditions:
Muscular dystrophy, limb-girdle, autosomal recessive 23. Identifiers: Orphanet 565837, MedGen C4748327, MONDO:0029136, OMIM 618138.
LAMA2-related muscular dystrophy (LAMA2-RD). Also called: Laminin alpha 2-related dystrophy. Identifiers: MedGen C5679788, MONDO:0100228.
Merosin deficient congenital muscular dystrophy (MDC1A). Also called: Congenital Muscular Dystrophy Type 1A (MDC1A); Congenital merosin-deficient muscular dystrophy 1A. Identifiers: Orphanet 258, MedGen C1263858, MONDO:0011925, OMIM 607855.

Submissions (3):

3billion
Classification: Pathogenic for Muscular dystrophy, limb-girdle, autosomal recessive 23. Last evaluated: 2025-12-29. Review status: criteria provided, single submitter. Criteria: ACMG Guidelines, 2015. Collection method: clinical testing. Allele origin: germline. Affected: yes.
Comment: The variant is not observed in the gnomAD v4.1.0 dataset. Predicted Consequence/Location: Stop-gained (nonsense): predicted to result in a loss or disruption of normal protein function through nonsense-mediated decay (NMD) or protein truncation. Multiple pathogenic variants are reported downstream of the variant. The variant has been reported to be associated with LAMA2-related disorder (ClinVar ID: VCV002676252). Therefore, this variant is classified as Pathogenic according to the recommendation of ACMG/AMP guideline.

Myriad Genetics, Inc.
Classification: Pathogenic for LAMA2-related muscular dystrophy. Last evaluated: 2025-08-13. Review status: criteria provided, single submitter. Criteria: Myriad Autosomal Dominant, Autosomal Recessive and X-Linked Classification Criteria (2023). Collection method: clinical testing. Allele origin: unknown.
Comment: NM_000426.3(LAMA2):c.6623G>A(W2208*) is expected to be pathogenic in the context of muscular dystrophy, LAMA2-related. This variant is predicted to lead to an abnormal or absent protein product due to the creation of a premature termination codon in LAMA2, a gene where loss-of-function variants are known to be pathogenic. Please note: this variant was assessed in the context of healthy population screening.

Baylor Genetics
Classification: Likely pathogenic for Merosin deficient congenital muscular dystrophy. Last evaluated: 2023-04-25. Review status: criteria provided, single submitter. Criteria: ACMG Guidelines, 2015. Collection method: clinical testing. Allele origin: unknown.